The following is an entry in ClinVar:

ClinVar aggregate classification (germline): Uncertain significance. Review status: criteria provided, multiple submitters, no conflicts (2 of 4 stars). 2 submissions from 2 submitters: Uncertain significance (2). Last evaluated 2025-06-24.

Conditions:
Myofibrillar myopathy 5. Also called: Filaminopathy (type); FILAMINOPATHY, AUTOSOMAL DOMINANT. Identifiers: Orphanet 171445, MedGen C1836050, MONDO:0012289, OMIM 609524.
Distal myopathy with posterior leg and anterior hand involvement. Also called: WILLIAMS DISTAL MYOPATHY. Identifiers: Orphanet 63273, MedGen C3279722, MONDO:0013550, OMIM 614065.
Hypertrophic cardiomyopathy 26. Also called: Cardiomyopathy, familial hypertrophic, 26. Identifiers: Orphanet 75249, MedGen C4310749, MONDO:0014883, OMIM 617047.

Submissions (2):

Labcorp Genetics (formerly Invitae), Labcorp
Classification: Uncertain significance for Distal myopathy with posterior leg and anterior hand involvement; Myofibrillar myopathy 5; Hypertrophic cardiomyopathy 26. Last evaluated: 2025-06-24. Review status: criteria provided, single submitter. Criteria: Invitae Variant Classification Sherloc (09022015). Collection method: clinical testing. Allele origin: germline.
Comment: This sequence change replaces arginine, which is basic and polar, with leucine, which is neutral and non-polar, at codon 2318 of the FLNC protein (p.Arg2318Leu). This variant is not present in population databases (gnomAD no frequency). This variant has not been reported in the literature in individuals affected with FLNC-related conditions. ClinVar contains an entry for this variant (Variation ID: 2441496). Invitae Evidence Modeling of protein sequence and biophysical properties (such as structural, functional, and spatial information, amino acid conservation, physicochemical variation, residue mobility, and thermodynamic stability) indicates that this missense variant is not expected to disrupt FLNC protein function with a negative predictive value of 95%. In summary, the available evidence is currently insufficient to determine the role of this variant in disease. Therefore, it has been classified as a Variant of Uncertain Significance.

Revvity Omics, Revvity
Classification: Uncertain significance. Last evaluated: 2020-09-10. Review status: criteria provided, single submitter. Criteria: ACMG Guidelines, 2015. Collection method: clinical testing. Allele origin: germline.

NM_001458.5(FLNC):c.6953G>T (p.Arg2318Leu)

Genes: FLNC-AS1 (FLNC antisense RNA 1; minus strand), FLNC (filamin C; plus strand). Cytogenetic location: 7q32.1.
Variant type: single nucleotide variant.
Coding change: c.6953G>T on transcript NM_001458.5 (MANE Select); coding-DNA position 6953, G replaced by T.
Protein change: p.Arg2318Leu; replaces arginine 2318 with leucine.
Molecular consequence: missense variant.
Genome position (GRCh38, 1-based): chr7:128,854,638, G>T. VCF-style: chr7-128854638-G-T. GRCh37 (hg19) VCF-style: chr7-128494692-G-T.
Other names: c.6854G>T, p.Arg2285Leu (NM_001127487.2); short protein forms R2285L, R2318L.
Identifiers: ClinVar variation 2441496 (VCV002441496.4), dbSNP rs749235580, ClinGen allele CA369214307.